The following is an entry in ClinVar:

NM_000051.4(ATM):c.3577-15T>C

Gene: ATM (ATM serine/threonine kinase; plus strand). Cytogenetic location: 11q22.3.
Variant type: single nucleotide variant.
Coding change: c.3577-15T>C on transcript NM_000051.4 (MANE Select); 15 bases into the intron before coding-DNA position 3577, T replaced by C.
Molecular consequence: intron variant.
Genome position (GRCh38, 1-based): chr11:108,282,695, T>C. VCF-style: chr11-108282695-T-C. GRCh37 (hg19) VCF-style: chr11-108153422-T-C.
Other names: c.3577-15T>C (NM_001351834.2).
Identifiers: ClinVar variation 383799 (VCV000383799.7), dbSNP rs1057521733, ClinGen allele CA16606173.

ClinVar aggregate classification (germline): Likely benign. Review status: criteria provided, multiple submitters, no conflicts (2 of 4 stars). 4 submissions from 4 submitters: Likely benign (4). Last evaluated 2024-05-15.

Conditions:
Hereditary cancer-predisposing syndrome. Also called: Neoplastic Syndromes, Hereditary; Hereditary neoplastic syndrome; Tumor predisposition; Hereditary Cancer Syndrome. Identifiers: Orphanet 140162, MedGen C0027672, MeSH D009386, MONDO:0015356.
Familial cancer of breast. Also called: BREAST CANCER, FAMILIAL; hereditary breast carcinoma; Hereditary breast cancer. Identifiers: Orphanet 227535, MedGen C0346153, MONDO:0016419, OMIM 114480. Disease mechanism: loss of function.
Ataxia-telangiectasia syndrome (AT). Also called: AT, COMPLEMENTATION GROUP C; ATAXIA-TELANGIECTASIA, COMPLEMENTATION GROUP A; ATAXIA-TELANGIECTASIA, FRESNO VARIANT; LOUIS-BAR SYNDROME; Ataxia-telangiectasia; Cerebello-oculocutaneous telangiectasia. Identifiers: Orphanet 100, MedGen C0004135, MONDO:0008840, OMIM 208900.

Submissions (4):

Myriad Genetics, Inc.
Classification: Likely benign for Familial cancer of breast. Last evaluated: 2024-05-15. Review status: criteria provided, single submitter. Criteria: Myriad Autosomal Dominant, Autosomal Recessive and X-Linked Classification Criteria (2023). Collection method: clinical testing. Allele origin: unknown.
Comment: This variant is considered likely benign. This variant is intronic and is not expected to impact mRNA splicing.

Labcorp Genetics (formerly Invitae), Labcorp
Classification: Likely benign for Ataxia-telangiectasia syndrome. Last evaluated: 2023-05-20. Review status: criteria provided, single submitter. Criteria: Invitae Variant Classification Sherloc (09022015). Collection method: clinical testing. Allele origin: germline.

Color Diagnostics, LLC DBA Color Health
Classification: Likely benign for Hereditary cancer-predisposing syndrome. Last evaluated: 2017-06-02. Review status: criteria provided, single submitter. Criteria: ACMG Guidelines, 2015. Collection method: clinical testing. Allele origin: germline.

GeneDx
Classification: Likely benign. Last evaluated: 2016-02-08. Review status: criteria provided, single submitter. Criteria: GeneDx Variant Classification (06012015). Collection method: clinical testing. Allele origin: germline. Affected: yes.
Comment: This variant is considered likely benign or benign based on one or more of the following criteria: it is a conservative change, it occurs at a poorly conserved position in the protein, it is predicted to be benign by multiple in silico algorithms, and/or has population frequency not consistent with disease.